The following is an entry in ClinVar:

ClinVar aggregate classification (germline): Uncertain significance (1 of 4 stars; one submission).

gnomAD v4.1: 1 of 1,613,714 alleles (0.000062%); highest among the groups gnomAD compares: African/African-American, 0.0013%; no homozygotes.

Submission:

GeneDx
Classification: Uncertain significance. Last evaluated: 2025-06-16. Review status: criteria provided, single submitter. Criteria: GeneDx Variant Classification Process June 2021. Collection method: clinical testing. Allele origin: germline. Affected: yes.
Comment: In silico analysis supports that this missense variant has a deleterious effect on protein structure/function; Has not been previously published as pathogenic or benign to our knowledge

NM_005273.4(GNB2):c.746C>T (p.Thr249Met)

Gene: GNB2 (G protein subunit beta 2; plus strand). Cytogenetic location: 7q22.1.
Variant type: single nucleotide variant.
Coding change: c.746C>T on transcript NM_005273.4 (MANE Select); coding-DNA position 746, C replaced by T.
Protein change: p.Thr249Met; replaces threonine 249 with methionine.
Molecular consequence: missense variant.
Genome position (GRCh38, 1-based): chr7:100,678,444, C>T. VCF-style: chr7-100678444-C-T. GRCh37 (hg19) VCF-style: chr7-100276067-C-T.
Other names: short protein forms T249M.
Identifiers: ClinVar variation 4538845 (VCV004538845.1).